The following is an entry in ClinVar:

NM_021098.3(CACNA1H):c.382T>G (p.Cys128Gly)

Gene: CACNA1H (calcium voltage-gated channel subunit alpha1 H; plus strand). Cytogenetic location: 16p13.3.
Variant type: single nucleotide variant.
Coding change: c.382T>G on transcript NM_021098.3 (MANE Select); coding-DNA position 382, T replaced by G.
Protein change: p.Cys128Gly; replaces cysteine 128 with glycine.
Molecular consequence: missense variant.
Genome position (GRCh38, 1-based): chr16:1,195,054, T>G. VCF-style: chr16-1195054-T-G. GRCh37 (hg19) VCF-style: chr16-1245054-T-G.
Other names: c.382T>G, p.Cys128Gly (NM_001005407.2); short protein forms C128G.
Identifiers: ClinVar variation 388471 (VCV000388471.2), dbSNP rs1057523118, ClinGen allele CA16607103.

ClinVar aggregate classification (germline): Uncertain significance (1 of 4 stars; one submission).

Submission:

GeneDx
Classification: Uncertain significance. Last evaluated: 2016-08-12. Review status: criteria provided, single submitter. Criteria: GeneDx Variant Classification (06012015). Collection method: clinical testing. Allele origin: germline. Affected: yes.
Comment: The C128G variant in the CACNA1H gene has not been reported previously as a pathogenic variant, nor as a benign variant, to our knowledge. The C128G variant was not observed in approximately 6300 individuals of European and African American ancestry in the NHLBI Exome Sequencing Project, indicating it is not a common benign variant in these populations. The C128G variant is a non-conservative amino acid substitution, which is likely to impact secondary protein structure as these residues differ in polarity, charge, size and/or other properties. This substitution occurs at a position that is conserved across species. In silico analysis predicts this variant is probably damaging to the protein structure/function. We interpret C128G as a variant of uncertain significance.